The following is an entry in ClinVar:

NM_001297.5(CNGB1):c.2603dup (p.Val869fs)

Gene: CNGB1 (cyclic nucleotide gated channel subunit beta 1; minus strand). Cytogenetic location: 16q21.
Variant type: Duplication.
Coding change: c.2603dup on transcript NM_001297.5 (MANE Select); coding-DNA position 2603, one base duplicated (G; older notation c.2603dupG).
Protein change: p.Val869fs; shifts the reading frame from valine 869.
Molecular consequence: frameshift variant.
Genome position (GRCh38, 1-based): chr16:57,904,765, C duplicated on the plus strand (G on the coding strand, the reverse complement: CNGB1 is on the minus strand); the first of 3 consecutive C bases (chr16:57,904,765-57,904,767); duplicating any one gives the same sequence. VCF-style (leftmost placement, unchanged base first): chr16-57904764-G-GC. GRCh37 (hg19) VCF-style: chr16-57938668-G-GC.
Other names: c.2585dup, p.Val863fs (NM_001286130.2); short protein forms V863fs, V869fs.
Identifiers: ClinVar variation 1065670 (VCV001065670.1), dbSNP rs2149359033, ClinGen allele CA2499223620.

ClinVar aggregate classification (germline): Likely pathogenic (1 of 4 stars; one submission).

Conditions:
Retinitis pigmentosa 45 (RP45). Identifiers: Orphanet 791, MedGen C3151066, MONDO:0013413, OMIM 613767.

Submission:

Ocular Genomics Institute, Massachusetts Eye and Ear
Classification: Likely pathogenic for Retinitis pigmentosa 45. Last evaluated: 2021-04-08. Review status: criteria provided, single submitter. Criteria: ACMG Guidelines, 2015. Collection method: research. Allele origin: germline. Affected: yes.
Comment: Through a review of available evidence we were able to apply the following criteria: PM2, PVS1. Based on this evidence we have classified this variant as Likely Pathogenic.